The following is an entry in ClinVar:

ClinVar aggregate classification (germline): Uncertain significance (1 of 4 stars; one submission).

Conditions:
Charcot-Marie-Tooth disease type 2. Also called: Charcot-Marie-Tooth type 2. Identifiers: Orphanet 64746, MedGen C0270914, MONDO:0018993.

Allele frequency attached by ClinVar (database versions not stated): ExAC 0.00001; gnomAD exomes below 0.00001.
gnomAD v4.1: 1 of 1,614,042 alleles (0.000062%); highest among the groups gnomAD compares: Admixed American, 0.0017%; no homozygotes.

Submission:

Labcorp Genetics (formerly Invitae), Labcorp
Classification: Uncertain significance for Charcot-Marie-Tooth disease type 2. Last evaluated: 2025-08-18. Review status: criteria provided, single submitter. Criteria: Invitae Variant Classification Sherloc (09022015). Collection method: clinical testing. Allele origin: germline.
Comment: This sequence change replaces asparagine, which is neutral and polar, with threonine, which is neutral and polar, at codon 561 of the MFN2 protein (p.Asn561Thr). This variant is present in population databases (rs778719488, gnomAD 0.003%). This variant has not been reported in the literature in individuals affected with MFN2-related conditions. ClinVar contains an entry for this variant (Variation ID: 1442612). Invitae Evidence Modeling of protein sequence and biophysical properties (such as structural, functional, and spatial information, amino acid conservation, physicochemical variation, residue mobility, and thermodynamic stability) has been performed for this missense variant. However, the output from this modeling did not meet the statistical confidence thresholds required to predict the impact of this variant on MFN2 protein function. In summary, the available evidence is currently insufficient to determine the role of this variant in disease. Therefore, it has been classified as a Variant of Uncertain Significance.

NM_014874.4(MFN2):c.1682A>C (p.Asn561Thr)

Genes: MFN2 (mitofusin 2; plus strand), LOC129929426 (ATAC-STARR-seq lymphoblastoid active region 185; plus strand). Cytogenetic location: 1p36.22.
Variant type: single nucleotide variant.
Coding change: c.1682A>C on transcript NM_014874.4 (MANE Select); coding-DNA position 1682, A replaced by C.
Protein change: p.Asn561Thr; replaces asparagine 561 with threonine.
Molecular consequence: missense variant.
Genome position (GRCh38, 1-based): chr1:12,005,897, A>C. VCF-style: chr1-12005897-A-C. GRCh37 (hg19) VCF-style: chr1-12065954-A-C.
Other names: c.1682A>C, p.Asn561Thr (NM_001127660.2); short protein forms N561T.
Identifiers: ClinVar variation 1442612 (VCV001442612.8), dbSNP rs778719488, ClinGen allele CA599169.